The following is an entry in ClinVar:

ClinVar aggregate classification (germline): Pathogenic (1 of 4 stars; one submission).

Submission:

Labcorp Genetics (formerly Invitae), Labcorp
Classification: Pathogenic. Last evaluated: 2023-11-27. Review status: criteria provided, single submitter. Criteria: Invitae Variant Classification Sherloc (09022015). Collection method: clinical testing. Allele origin: germline.
Comment: This sequence change creates a premature translational stop signal (p.Leu206*) in the SETBP1 gene. It is expected to result in an absent or disrupted protein product. Loss-of-function variants in SETBP1 are known to be pathogenic (PMID: 21037274, 25217958). This variant is not present in population databases (gnomAD no frequency). This variant has not been reported in the literature in individuals affected with SETBP1-related conditions. For these reasons, this variant has been classified as Pathogenic.

Literature cited by the submitters: PubMed 21037274; PubMed 25217958.

NM_015559.3(SETBP1):c.617T>A (p.Leu206Ter)

Gene: SETBP1 (SET binding protein 1; plus strand). Cytogenetic location: 18q12.3.
Variant type: single nucleotide variant.
Coding change: c.617T>A on transcript NM_015559.3 (MANE Select); coding-DNA position 617, T replaced by A.
Protein change: p.Leu206Ter; replaces leucine 206 with a stop codon.
Molecular consequence: nonsense.
Genome position (GRCh38, 1-based): chr18:44,949,957, T>A. VCF-style: chr18-44949957-T-A. GRCh37 (hg19) VCF-style: chr18-42529922-T-A.
Other names: c.617T>A, p.Leu206Ter (NM_001379141.1, NM_001379142.1, NM_001410862.1); short protein forms L206*.
Identifiers: ClinVar variation 2699178 (VCV002699178.3), dbSNP rs2511464216, ClinGen allele CA402316452.